The following is an entry in ClinVar:

ClinVar aggregate classification (germline): Uncertain significance (1 of 4 stars; one submission).

Submission:

GeneDx
Classification: Uncertain significance. Last evaluated: 2025-06-29. Review status: criteria provided, single submitter. Criteria: GeneDx Variant Classification Process June 2021. Collection method: clinical testing. Allele origin: germline. Affected: yes.
Comment: Not observed at significant frequency in large population cohorts (gnomAD); In silico analysis suggests that this missense variant does not alter protein structure/function; Has not been previously published as pathogenic or benign to our knowledge

NM_170606.3(KMT2C):c.3770T>A (p.Val1257Glu)

Gene: KMT2C (lysine methyltransferase 2C; minus strand). Cytogenetic location: 7q36.1.
Variant type: single nucleotide variant.
Coding change: c.3770T>A on transcript NM_170606.3 (MANE Select); coding-DNA position 3770, T replaced by A.
Protein change: p.Val1257Glu; replaces valine 1257 with glutamic acid.
Molecular consequence: missense variant.
Genome position (GRCh38, 1-based): chr7:152,207,371, A>T on the plus strand (T>A on the coding strand, the complement: KMT2C is on the minus strand). VCF-style: chr7-152207371-A-T. GRCh37 (hg19) VCF-style: chr7-151904456-A-T.
Other names: short protein forms V1257E.
Identifiers: ClinVar variation 4539948 (VCV004539948.1).